The following is an entry in ClinVar:

NM_003091.4(SNRPB):c.217C>G (p.Arg73Gly)

Gene: SNRPB (small nuclear ribonucleoprotein polypeptides B and B1; minus strand). Cytogenetic location: 20p13.
Variant type: single nucleotide variant.
Coding change: c.217C>G on transcript NM_003091.4 (MANE Select); coding-DNA position 217, C replaced by G.
Protein change: p.Arg73Gly; replaces arginine 73 with glycine.
Molecular consequence: missense variant.
Genome position (GRCh38, 1-based): chr20:2,465,758, G>C on the plus strand (C>G on the coding strand, the complement: SNRPB is on the minus strand). VCF-style: chr20-2465758-G-C. GRCh37 (hg19) VCF-style: chr20-2446404-G-C.
Other names: c.217C>G, p.Arg73Gly (NM_198216.2); short protein forms R73G.
Identifiers: ClinVar variation 3359369 (VCV003359369.1).

ClinVar aggregate classification (germline): Uncertain significance (1 of 4 stars; one submission).

Submission:

GeneDx
Classification: Uncertain significance. Last evaluated: 2023-05-26. Review status: criteria provided, single submitter. Criteria: GeneDx Variant Classification Process June 2021. Collection method: clinical testing. Allele origin: germline. Affected: yes.
Comment: Not observed at significant frequency in large population cohorts (gnomAD); In silico analysis supports that this missense variant has a deleterious effect on protein structure/function; Has not been previously published as pathogenic or benign to our knowledge